The following is an entry in ClinVar:

ClinVar aggregate classification (germline): Benign/Likely benign. Review status: criteria provided, multiple submitters, no conflicts (2 of 4 stars). 9 submissions from 9 submitters: Benign (1); Likely benign (6). 2 of the submissions do not count toward it. Last evaluated 2026-01-26.

Conditions:
Polyglandular autoimmune syndrome, type 1 (APS1). Also called: PGA I; AUTOIMMUNE POLYENDOCRINE SYNDROME, TYPE I, WITH OR WITHOUT REVERSIBLE METAPHYSEAL DYSPLASIA; HYPOADRENOCORTICISM WITH HYPOPARATHYROIDISM AND SUPERFICIAL MONILIASIS; Whitaker syndrome; Autoimmune polyendocrinopathy syndrome, type I; Autoimmune polyendocrinopathy syndrome , type I, with or without reversible metaphyseal dysplasia. Identifiers: Orphanet 3453, MedGen C0085859, MONDO:0009411, OMIM 240300.

Allele frequency attached by ClinVar (database versions not stated): 1000 Genomes Project 30x 0.00031; ESP Exome Variant Server 0.00082; TOPMed 0.00156; gnomAD 0.00176; gnomAD exomes 0.00195; ExAC 0.00221.
gnomAD v4.1: 2,955 of 1,543,302 alleles (0.19%); highest among the groups gnomAD compares: Middle Eastern, 0.9%; 6 homozygotes.

Submissions (9):

Labcorp Genetics (formerly Invitae), Labcorp
Classification: Benign for Polyglandular autoimmune syndrome, type 1. Last evaluated: 2026-01-26. Review status: criteria provided, single submitter. Criteria: Invitae Variant Classification Sherloc (09022015). Collection method: clinical testing. Allele origin: germline.

CeGaT Center for Human Genetics Tuebingen
Classification: Likely benign. Last evaluated: 2025-01-01. Review status: criteria provided, single submitter. Criteria: CeGaT Center For Human Genetics Tuebingen Variant Classification Criteria Version 2. Collection method: clinical testing. Allele origin: germline. Affected: yes. Observed: 5 variant alleles.
Comment: AIRE: BP4, BP7

Blueprint Genetics
Classification: Likely benign. Last evaluated: 2024-11-27. Review status: criteria provided, single submitter. Criteria: ACMG Guidelines, 2015. Collection method: clinical testing. Allele origin: germline.

Mayo Clinic Laboratories, Mayo Clinic
Classification: Likely benign. Last evaluated: 2024-11-25. Review status: criteria provided, single submitter. Criteria: ACMG Guidelines, 2015. Collection method: clinical testing. Allele origin: germline. Observed: 4 variant alleles.
Comment: BS1, BP4, BP7

Genetic Services Laboratory, University of Chicago
Classification: Likely benign. Last evaluated: 2018-09-21. Review status: criteria provided, single submitter. Criteria: ACMG Guidelines, 2015. Collection method: clinical testing. Allele origin: germline. Affected: no.

Women's Health and Genetics/Laboratory Corporation of America, LabCorp
Classification: Likely benign. Last evaluated: 2016-03-07. Review status: criteria provided, single submitter. Criteria: LabCorp Variant Classification Summary - May 2015. Collection method: clinical testing. Allele origin: germline.

Breakthrough Genomics
Classification: Likely benign. Review status: criteria provided, single submitter. Criteria: ACMG Guidelines, 2015. Collection method: not provided. Allele origin: germline. Inheritance: Autosomal recessive inheritance. Affected: yes.

Clinical Genetics DNA and cytogenetics Diagnostics Lab, Erasmus MC, Erasmus Medical Center
Classification: Likely benign. Review status: no assertion criteria provided. Collection method: clinical testing. Allele origin: germline. Affected: yes. Study: VKGL Data-share Consensus. Not counted in ClinVar's aggregate classification.

Genome Diagnostics Laboratory, University Medical Center Utrecht
Classification: Likely benign. Review status: no assertion criteria provided. Collection method: clinical testing. Allele origin: germline. Affected: yes. Study: VKGL Data-share Consensus. Not counted in ClinVar's aggregate classification.

Literature cited by the submitters: PubMed 9717837 (cited by Women's Health and Genetics/Laboratory Corporation of America, LabCorp).

NM_000383.4(AIRE):c.63C>T (p.Ala21=)

Gene: AIRE (autoimmune regulator; plus strand). Cytogenetic location: 21q22.3.
Variant type: single nucleotide variant.
Coding change: c.63C>T on transcript NM_000383.4 (MANE Select); coding-DNA position 63, C replaced by T.
Protein change: p.Ala21=; no amino-acid change (alanine 21 retained).
Molecular consequence: synonymous variant.
Genome position (GRCh38, 1-based): chr21:44,286,069, C>T. VCF-style: chr21-44286069-C-T. GRCh37 (hg19) VCF-style: chr21-45705952-C-T.
Other names: p.Ala21=; c.63C>T (LRG_18t1).
Identifiers: ClinVar variation 495855 (VCV000495855.49), dbSNP rs371796437, ClinGen allele CA10051462.